The following is an entry in ClinVar:

NM_032578.4(MYPN):c.2880T>G (p.Ser960=)

Gene: MYPN (myopalladin; plus strand). Cytogenetic location: 10q21.3.
Variant type: single nucleotide variant.
Coding change: c.2880T>G on transcript NM_032578.4 (MANE Select); coding-DNA position 2880, T replaced by G.
Protein change: p.Ser960=; no amino-acid change (serine 960 retained).
Molecular consequence: synonymous variant. On other transcripts: non-coding transcript variant (2).
Genome position (GRCh38, 1-based): chr10:68,189,081, T>G. VCF-style: chr10-68189081-T-G. GRCh37 (hg19) VCF-style: chr10-69948838-T-G.
Other names: c.2880T>G, p.Ser960= (NM_001256267.2); c.1998T>G, p.Ser666= (NM_001256268.2).
Identifiers: ClinVar variation 227718 (VCV000227718.32), dbSNP rs146028308, ClinGen allele CA5522887.
Genomic context (GRCh38, chr10:68,189,081, plus strand): 5'-CAAGTGTATTGCTCCCATCTTTGACAAGAGACTCAAGCACTTCCGGGTCACAGAAGGCTC[T>G]CCAGTTACATTCACCTGCAAAATTGTTGGGATACCTGTTCCAAAGGTAGGGAAGATGACA-3'
Protein context (NP_115967.2, residues 950-970): RLKHFRVTEG[Ser960=]PVTFTCKIVG

ClinVar aggregate classification (germline): Benign/Likely benign. Review status: criteria provided, multiple submitters, no conflicts (2 of 4 stars). 11 submissions from 11 submitters: Benign (2); Likely benign (6). 3 of the submissions do not count toward it. Last evaluated 2026-09-01.

Conditions:
MYPN-related disorder. Also called: MYPN-related condition.
Cardiovascular phenotype. Identifiers: MedGen CN230736.
Dilated cardiomyopathy 1KK (CMD1KK). Identifiers: Orphanet 154, Orphanet 75249, MedGen C3714995, MONDO:0014100, OMIM 615248.

Allele frequency attached by ClinVar (database versions not stated): gnomAD exomes 0.00011 and 0.00027; ExAC 0.00031; 1000 Genomes Project 0.00060; 1000 Genomes Project 30x 0.00062; ESP Exome Variant Server 0.00077; gnomAD 0.00088 and 0.00096; TOPMed 0.00107.
gnomAD v4.1: 314 of 1,614,116 alleles (0.019%); highest among the groups gnomAD compares: African/African-American, 0.27%; 1 homozygote.

Submissions (11):

CeGaT Center for Human Genetics Tuebingen
Classification: Likely benign. Last evaluated: 2026-09-01. Review status: criteria provided, single submitter. Criteria: CeGaT Center For Human Genetics Tuebingen Variant Classification Criteria Version 2. Collection method: clinical testing. Allele origin: germline. Affected: yes. Observed: 2 variant alleles.
Comment: MYPN: BP4, BP7

Women's Health and Genetics/Laboratory Corporation of America, LabCorp
Classification: Likely benign. Last evaluated: 2026-05-08. Review status: criteria provided, single submitter. Criteria: LabCorp Variant Classification Summary - May 2015. Collection method: clinical testing. Allele origin: germline.

Labcorp Genetics (formerly Invitae), Labcorp
Classification: Benign for Dilated cardiomyopathy 1KK. Last evaluated: 2026-01-27. Review status: criteria provided, single submitter. Criteria: Invitae Variant Classification Sherloc (09022015). Collection method: clinical testing. Allele origin: germline.

PreventionGenetics, part of Exact Sciences
Classification: Likely benign for MYPN-related condition. Last evaluated: 2025-05-01. Review status: criteria provided, single submitter. Criteria: ACMG Guidelines, 2015. Collection method: clinical testing. Allele origin: germline.
Comment: This variant is classified as likely benign based on ACMG/AMP sequence variant interpretation guidelines (Richards et al. 2015 PMID: 25741868, with internal and published modifications).

Clinical Genetics DNA and cytogenetics Diagnostics Lab, Erasmus MC, Erasmus Medical Center
Classification: Likely benign for Dilated cardiomyopathy 1KK. Last evaluated: 2017-06-28. Review status: criteria provided, single submitter. Criteria: ACGS Guidelines, 2013. Collection method: clinical testing. Allele origin: germline. Affected: yes. Study: VKGL Data-share Consensus.

GeneDx
Classification: Benign. Last evaluated: 2015-12-28. Review status: criteria provided, single submitter. Criteria: GeneDx Variant Classification (06012015). Collection method: clinical testing. Allele origin: germline. Affected: yes.
Comment: This variant is considered likely benign or benign based on one or more of the following criteria: it is a conservative change, it occurs at a poorly conserved position in the protein, it is predicted to be benign by multiple in silico algorithms, and/or has population frequency not consistent with disease.

Ambry Genetics
Classification: Likely benign for Cardiovascular phenotype. Last evaluated: 2015-07-14. Review status: criteria provided, single submitter. Criteria: Ambry Variant Classification Scheme 2023. Collection method: clinical testing. Allele origin: germline.

Laboratory for Molecular Medicine, Mass General Brigham Personalized Medicine
Classification: Likely benign. Last evaluated: 2015-05-19. Review status: criteria provided, single submitter. Criteria: LMM Criteria. Collection method: clinical testing. Allele origin: germline. Observed: 1 variant allele.
Comment: p.Ser960Ser in exon 14 of MYPN: This variant is not expected to have clinical si gnificance because it does not alter an amino acid residue and is not located wi thin the splice consensus sequence. It has been identified in 0.3% (26/10398) of African chromosomes by the Exome Aggregation Consortium (ExAC; dbSNP rs146028308).

Clinical Genetics, Academic Medical Center
Classification: Benign. Review status: no assertion criteria provided. Collection method: clinical testing. Allele origin: germline. Affected: yes. Study: VKGL Data-share Consensus. Not counted in ClinVar's aggregate classification.

Diagnostic Laboratory, Department of Genetics, University Medical Center Groningen
Classification: Likely benign for Dilated cardiomyopathy 1KK. Review status: no assertion criteria provided. Collection method: clinical testing. Allele origin: germline. Affected: yes. Study: VKGL Data-share Consensus. Not counted in ClinVar's aggregate classification.

Genome Diagnostics Laboratory, University Medical Center Utrecht
Classification: Likely benign. Review status: no assertion criteria provided. Collection method: clinical testing. Allele origin: germline. Affected: yes. Study: VKGL Data-share Consensus. Not counted in ClinVar's aggregate classification.